The following is an entry in ClinVar:

ClinVar aggregate classification (germline): Uncertain significance (1 of 4 stars; one submission).

Submission:

Dasa
Classification: Uncertain significance. Last evaluated: 2024-10-25. Review status: criteria provided, single submitter. Criteria: DASA Assertion Criteria. Collection method: clinical testing. Allele origin: germline.
Comment: NM_003070.5(SMARCA2):c.4595-8_4595-4del is a splice-region variant predicted to affect normal RNA splicing. This variant is absent from population databases. The currently available literature and clinical evidence are not sufficient to establish a definitive association between this variant and the reported condition. Therefore, this variant is classified as a variant of uncertain significance.

NM_003070.5(SMARCA2):c.4595-8_4595-4del

Gene: SMARCA2 (SWI/SNF related BAF chromatin remodeling complex subunit ATPase 2; plus strand). Cytogenetic location: 9p24.3.
Variant type: Deletion.
Coding change: c.4595-8_4595-4del on transcript NM_003070.5 (MANE Select); 8 bases into the intron before coding-DNA position 4595 through 4 bases into the intron before coding-DNA position 4595, 5 bases deleted (GGTTT; older notation c.4595-8_4595-4delGGTTT).
Molecular consequence: intron variant.
Genome position (GRCh38, 1-based): chr9:2,191,258-2,191,262, GGTTT deleted; deleting any 5 consecutive bases within chr9:2,191,255-2,191,262 gives the same sequence; the c. name uses the placement nearest the transcript's 3' end. VCF-style (leftmost placement, unchanged base first): chr9-2191254-CTTTGG-C. GRCh37 (hg19) VCF-style: chr9-2191254-CTTTGG-C.
Other names: c.4541-8_4541-4del (NM_139045.4); c.4367-8_4367-4del (NM_001289397.2); c.4595-8_4595-4del (NM_001289396.2); c.569-8_569-4del (NM_001289398.2); c.659-8_659-4del (NM_001289400.2); c.653-8_653-4del (NM_001289399.2).
Identifiers: ClinVar variation 4886342 (VCV004886342.2).